The following is an entry in ClinVar:

NM_183065.4(TMEM107):c.*305T>C

Gene: TMEM107 (transmembrane protein 107; minus strand). Cytogenetic location: 17p13.1.
Variant type: single nucleotide variant.
Coding change: c.*305T>C on transcript NM_183065.4 (MANE Select); 305 bases downstream of the stop codon, T replaced by C.
Molecular consequence: 3 prime UTR variant. On other transcripts: non-coding transcript variant (1).
Genome position (GRCh38, 1-based): chr17:8,173,898, A>G on the plus strand (T>C on the coding strand, the complement: TMEM107 is on the minus strand). VCF-style: chr17-8173898-A-G. GRCh37 (hg19) VCF-style: chr17-8077216-A-G.
Other names: c.*305T>C (NM_001351278.2, NM_001351279.2, NM_001351280.2 and 1 more transcripts).
Identifiers: ClinVar variation 2498691 (VCV002498691.28), dbSNP rs137884691, ClinGen allele CA287525276.
Genomic context (GRCh38, chr17:8,173,898, plus strand): 5'-ATCTCCGCCCACTCCCTTCCGCCAGGCACCTACCGTAGTAACCAAAATAGAAGCGATACC[A>G]AGTATCTTACGGTCTGCAGGACTAGAAAACAGCGTTGTTTTTTTTTTATTCAGTAGTTCA-3'

ClinVar aggregate classification (germline): Likely benign (1 of 4 stars; one submission).

Allele frequency attached by ClinVar (database versions not stated): 1000 Genomes Project 0.00379; 1000 Genomes Project 30x 0.00390.
gnomAD v4.1: 3,339 of 493,168 alleles (0.68%); highest among the groups gnomAD compares: Non-Finnish European, 0.94%; 16 homozygotes.

Submission:

CeGaT Center for Human Genetics Tuebingen
Classification: Likely benign. Last evaluated: 2026-09-01. Review status: criteria provided, single submitter. Criteria: CeGaT Center For Human Genetics Tuebingen Variant Classification Criteria Version 2. Collection method: clinical testing. Allele origin: germline. Affected: yes. Observed: 30 variant alleles.
Comment: TMEM107: BS2